The following is an entry in ClinVar:

NM_177438.3(DICER1):c.3826G>A (p.Asp1276Asn)

Gene: DICER1 (dicer 1, ribonuclease III; minus strand). Cytogenetic location: 14q32.13.
Variant type: single nucleotide variant.
Coding change: c.3826G>A on transcript NM_177438.3 (MANE Select); coding-DNA position 3826, G replaced by A.
Protein change: p.Asp1276Asn; replaces aspartic acid 1276 with asparagine.
Molecular consequence: missense variant.
Genome position (GRCh38, 1-based): chr14:95,103,570, C>T on the plus strand (G>A on the coding strand, the complement: DICER1 is on the minus strand). VCF-style: chr14-95103570-C-T. GRCh37 (hg19) VCF-style: chr14-95569907-C-T.
Other names: c.3826G>A, p.Asp1276Asn (NM_001195573.1, NM_001271282.3, NM_001291628.2 and 1 more transcripts); short protein forms D1276N.
Identifiers: ClinVar variation 836343 (VCV000836343.14), dbSNP rs1891095978, ClinGen allele CA390873366.
Genomic context (GRCh38, chr14:95,103,570, plus strand): 5'-GTCCAGGATTGGGGCCAAGAGTCCTTGAGGAGTACCCAATAGAAGGGCTCTGCTCAGAAT[C>T]CATCCTGCCCTTGAGCACTTGAATAGTGTCTGTCGTACCAGGCATTACGGCCATCACAGG-3'
Protein context (NP_803187.1, residues 1266-1286): DTIQVLKGRM[Asp1276Asn]SEQSPSIGYS

ClinVar aggregate classification (germline): Conflicting classifications of pathogenicity. Review status: criteria provided, conflicting classifications (1 of 4 stars). 2 submissions from 2 submitters: Uncertain significance (1); Likely benign (1). Last evaluated 2025-02-27.

Conditions:
Hereditary cancer-predisposing syndrome. Also called: Neoplastic Syndromes, Hereditary; Hereditary neoplastic syndrome; Tumor predisposition; Hereditary Cancer Syndrome. Identifiers: Orphanet 140162, MedGen C0027672, MeSH D009386, MONDO:0015356.
DICER1-related tumor predisposition. Also called: DICER1-related pleuropulmonary blastoma cancer predisposition syndrome; DICER1 syndrome. Identifiers: Orphanet 284343, MedGen C3839822, MONDO:0100216.

Submissions (2):

Ambry Genetics
Classification: Likely benign for Hereditary cancer-predisposing syndrome. Last evaluated: 2025-02-27. Review status: criteria provided, single submitter. Criteria: Ambry Variant Classification Scheme 2023. Collection method: clinical testing. Allele origin: germline.

Labcorp Genetics (formerly Invitae), Labcorp
Classification: Uncertain significance for DICER1-related tumor predisposition. Last evaluated: 2024-03-02. Review status: criteria provided, single submitter. Criteria: Invitae Variant Classification Sherloc (09022015). Collection method: clinical testing. Allele origin: germline.
Comment: This sequence change replaces aspartic acid, which is acidic and polar, with asparagine, which is neutral and polar, at codon 1276 of the DICER1 protein (p.Asp1276Asn). This variant is not present in population databases (gnomAD no frequency). This variant has not been reported in the literature in individuals affected with DICER1-related conditions. ClinVar contains an entry for this variant (Variation ID: 836343). Advanced modeling of protein sequence and biophysical properties (such as structural, functional, and spatial information, amino acid conservation, physicochemical variation, residue mobility, and thermodynamic stability) performed at Invitae indicates that this missense variant is not expected to disrupt DICER1 protein function with a negative predictive value of 80%. In summary, the available evidence is currently insufficient to determine the role of this variant in disease. Therefore, it has been classified as a Variant of Uncertain Significance.